The following is an entry in ClinVar:

NM_000322.5(PRPH2):c.411dup (p.Met138fs)

Gene: PRPH2 (peripherin 2; minus strand). Cytogenetic location: 6p21.1.
Variant type: Duplication.
Coding change: c.411dup on transcript NM_000322.5 (MANE Select); coding-DNA position 411, one base duplicated (C; older notation c.411dupC).
Protein change: p.Met138fs; shifts the reading frame from methionine 138.
Molecular consequence: frameshift variant.
Genome position (GRCh38, 1-based): chr6:42,721,924, G duplicated on the plus strand (C on the coding strand, the reverse complement: PRPH2 is on the minus strand). VCF-style (leftmost placement, unchanged base first): chr6-42721923-T-TG. GRCh37 (hg19) VCF-style: chr6-42689661-T-TG.
Other names: short protein forms M138fs.
Identifiers: ClinVar variation 2854044 (VCV002854044.3), dbSNP rs2548309705, ClinGen allele CA2739273033.
Genomic context (GRCh38, chr6:42,721,923, plus strand): 5'-TGTCGATGGTCTTCTTCATGAAACACCTGCCAGGGGTGTCTGTGTCCCGGTAGTACTTCA[T>TG]GCCGTTCTTGAGCCCTTGGCCCAGGGTGTTCTCCAGCGAGCCCCGAAGCAGAAAGCAGCA-3'

ClinVar aggregate classification (germline): Pathogenic (1 of 4 stars; one submission).

Conditions:
PRPH2-related disorder. Also called: PRPH2-related disorders; PRPH2-related condition. Identifiers: MedGen CN239395.

Submission:

Labcorp Genetics (formerly Invitae), Labcorp
Classification: Pathogenic for PRPH2-related disorder. Last evaluated: 2023-04-09. Review status: criteria provided, single submitter. Criteria: Invitae Variant Classification Sherloc (09022015). Collection method: clinical testing. Allele origin: germline.
Comment: For these reasons, this variant has been classified as Pathogenic. This variant has not been reported in the literature in individuals affected with PRPH2-related conditions. This variant is not present in population databases (gnomAD no frequency). This sequence change creates a premature translational stop signal (p.Met138Hisfs*39) in the PRPH2 gene. It is expected to result in an absent or disrupted protein product. Loss-of-function variants in PRPH2 are known to be pathogenic (PMID: 8111389, 8485575, 8485576, 8675410, 16916875, 17504850, 22863181, 25675413, 26061163, 27365499, 29555955, 33546218).

Literature cited by the submitters: PubMed 8111389; PubMed 8485575; PubMed 8485576; PubMed 8675410; PubMed 16916875; PubMed 17504850; PubMed 22863181; PubMed 25675413; PubMed 26061163; PubMed 27365499; PubMed 29555955; PubMed 33546218.